The following is an entry in ClinVar:

NM_004145.4(MYO9B):c.5774C>T (p.Ser1925Leu)

Gene: MYO9B (myosin IXB; plus strand). Cytogenetic location: 19p13.11.
Variant type: single nucleotide variant.
Coding change: c.5774C>T on transcript NM_004145.4 (MANE Select); coding-DNA position 5774, C replaced by T.
Protein change: p.Ser1925Leu; replaces serine 1925 with leucine.
Molecular consequence: missense variant.
Genome position (GRCh38, 1-based): chr19:17,210,358, C>T. VCF-style: chr19-17210358-C-T. GRCh37 (hg19) VCF-style: chr19-17321167-C-T.
Other names: c.5774C>T, p.Ser1925Leu (NM_001130065.2); short protein forms S1925L.
Identifiers: ClinVar variation 2365603 (VCV002365603.5), dbSNP rs376098957, ClinGen allele CA9288684.

ClinVar aggregate classification (germline): Uncertain significance. Review status: criteria provided, multiple submitters, no conflicts (2 of 4 stars). 2 submissions from 2 submitters: Uncertain significance (2). Last evaluated 2026-02-26.

Allele frequency attached by ClinVar (database versions not stated): ESP Exome Variant Server 0.00016; 1000 Genomes Project 0.00020; ExAC 0.00010; gnomAD exomes 0.00001; 1000 Genomes Project 30x 0.00016; gnomAD 0.00011; TOPMed 0.00012.
gnomAD v4.1: 40 of 1,599,150 alleles (0.0025%); highest among the groups gnomAD compares: Admixed American, 0.016%; no homozygotes.

Submissions (2):

Dasa
Classification: Uncertain significance. Last evaluated: 2026-02-26. Review status: criteria provided, single submitter. Criteria: DASA Assertion Criteria. Collection method: clinical testing. Allele origin: germline.
Comment: NM_004145.4(MYO9B):c.5774C>T (p.Ser1925Leu) is a missense variant that results in the substitution of serine with leucine. This variant is rare in population databases. The currently available literature and clinical evidence are not sufficient to establish a definitive association between this variant and the reported condition. Therefore, this variant is classified as a variant of uncertain significance.

Ambry Genetics
Classification: Uncertain significance. Last evaluated: 2024-04-06. Review status: criteria provided, single submitter. Criteria: Ambry Variant Classification Scheme 2023. Collection method: clinical testing. Allele origin: germline.